The following is an entry in ClinVar:

ClinVar aggregate classification (germline): Uncertain significance. Review status: criteria provided, multiple submitters, no conflicts (2 of 4 stars). 2 submissions from 2 submitters: Uncertain significance (2). Last evaluated 2024-11-27.

Conditions:
Primary ciliary dyskinesia. Also called: Ciliary dyskinesia. Identifiers: Orphanet 244, MedGen C0008780, MONDO:0016575, HP:0012265.

Allele frequency attached by ClinVar (database versions not stated): gnomAD exomes 0.00001; gnomAD 0.00003 and 0.00010; TOPMed 0.00009; ExAC 0.00076.
gnomAD v4.1: 25 of 1,284,018 alleles (0.0019%); highest among the groups gnomAD compares: South Asian, 0.0061%; no homozygotes.

Submissions (2):

Labcorp Genetics (formerly Invitae), Labcorp
Classification: Uncertain significance for Primary ciliary dyskinesia. Last evaluated: 2024-11-27. Review status: criteria provided, single submitter. Criteria: Invitae Variant Classification Sherloc (09022015). Collection method: clinical testing. Allele origin: germline.
Comment: This sequence change replaces valine, which is neutral and non-polar, with leucine, which is neutral and non-polar, at codon 146 of the DNAAF5 protein (p.Val146Leu). This variant is present in population databases (rs745787736, gnomAD 0.02%). This variant has not been reported in the literature in individuals affected with DNAAF5-related conditions. ClinVar contains an entry for this variant (Variation ID: 1026731). Invitae Evidence Modeling of protein sequence and biophysical properties (such as structural, functional, and spatial information, amino acid conservation, physicochemical variation, residue mobility, and thermodynamic stability) indicates that this missense variant is not expected to disrupt DNAAF5 protein function with a negative predictive value of 80%. In summary, the available evidence is currently insufficient to determine the role of this variant in disease. Therefore, it has been classified as a Variant of Uncertain Significance.

Ambry Genetics
Classification: Uncertain significance for Primary ciliary dyskinesia. Last evaluated: 2023-08-08. Review status: criteria provided, single submitter. Criteria: Ambry Variant Classification Scheme 2023. Collection method: clinical testing. Allele origin: germline.

NM_017802.4(DNAAF5):c.436G>T (p.Val146Leu)

Genes: DNAAF5 (dynein axonemal assembly factor 5; plus strand), PRKAR1B (protein kinase cAMP-dependent type I regulatory subunit beta; minus strand). Cytogenetic location: 7p22.3.
Variant type: single nucleotide variant.
Coding change: c.436G>T on transcript NM_017802.4 (MANE Select); coding-DNA position 436, G replaced by T.
Protein change: p.Val146Leu; replaces valine 146 with leucine.
Molecular consequence: missense variant. On other transcripts: non-coding transcript variant (1), intron variant (3).
Genome position (GRCh38, 1-based): chr7:727,156, G>T. VCF-style: chr7-727156-G-T. GRCh37 (hg19) VCF-style: chr7-766793-G-T.
Other names: c.-23+499C>A (NM_001164759.1); c.-23+434C>A (NM_001164758.2); c.-23+54C>A (NM_001164760.2); short protein forms V146L.
Identifiers: ClinVar variation 1026731 (VCV001026731.9), dbSNP rs745787736, ClinGen allele CA4110357.